The following is an entry in ClinVar:

NM_000553.6(WRN):c.364C>T (p.Gln122Ter)

Gene: WRN (WRN RecQ like helicase; plus strand). Cytogenetic location: 8p12.
Variant type: single nucleotide variant.
Coding change: c.364C>T on transcript NM_000553.6 (MANE Select); coding-DNA position 364, C replaced by T.
Protein change: p.Gln122Ter; replaces glutamine 122 with a stop codon.
Molecular consequence: nonsense.
Genome position (GRCh38, 1-based): chr8:31,064,923, C>T. VCF-style: chr8-31064923-C-T. GRCh37 (hg19) VCF-style: chr8-30922439-C-T.
Other names: short protein forms Q122*.
Identifiers: ClinVar variation 3664911 (VCV003664911.2).

ClinVar aggregate classification (germline): Pathogenic (1 of 4 stars; one submission).

Conditions:
Werner syndrome (WRN). Identifiers: Orphanet 902, MedGen C0043119, MONDO:0010196, OMIM 277700.

Submission:

Labcorp Genetics (formerly Invitae), Labcorp
Classification: Pathogenic for Werner syndrome. Last evaluated: 2024-03-17. Review status: criteria provided, single submitter. Criteria: Invitae Variant Classification Sherloc (09022015). Collection method: clinical testing. Allele origin: germline.
Comment: This sequence change creates a premature translational stop signal (p.Gln122*) in the WRN gene. It is expected to result in an absent or disrupted protein product. Loss-of-function variants in WRN are known to be pathogenic (PMID: 16673358). This variant is not present in population databases (gnomAD no frequency). This variant has not been reported in the literature in individuals affected with WRN-related conditions. For these reasons, this variant has been classified as Pathogenic.

Literature cited by the submitters: PubMed 16673358.